The following is an entry in ClinVar:

NM_002075.4(GNB3):c.860C>G (p.Ala287Gly)

Genes: CDCA3 (cell division cycle associated 3; minus strand), GNB3 (G protein subunit beta 3; plus strand). Cytogenetic location: 12p13.31.
Variant type: single nucleotide variant.
Coding change: c.860C>G on transcript NM_002075.4 (MANE Select); coding-DNA position 860, C replaced by G.
Protein change: p.Ala287Gly; replaces alanine 287 with glycine.
Molecular consequence: missense variant. On other transcripts: 3 prime UTR variant (1).
Genome position (GRCh38, 1-based): chr12:6,845,746, C>G. VCF-style: chr12-6845746-C-G. GRCh37 (hg19) VCF-style: chr12-6954910-C-G.
Other names: c.857C>G, p.Ala286Gly (NM_001297571.2); c.*1042G>C (NM_001297603.3); short protein forms A286G, A287G.
Identifiers: ClinVar variation 2128245 (VCV002128245.4), dbSNP rs2542359033, ClinGen allele CA383675306.

ClinVar aggregate classification (germline): Uncertain significance (1 of 4 stars; one submission).

Submission:

Labcorp Genetics (formerly Invitae), Labcorp
Classification: Uncertain significance. Last evaluated: 2022-11-01. Review status: criteria provided, single submitter. Criteria: Invitae Variant Classification Sherloc (09022015). Collection method: clinical testing. Allele origin: germline.
Comment: In summary, the available evidence is currently insufficient to determine the role of this variant in disease. Therefore, it has been classified as a Variant of Uncertain Significance. Advanced modeling of protein sequence and biophysical properties (such as structural, functional, and spatial information, amino acid conservation, physicochemical variation, residue mobility, and thermodynamic stability) performed at Invitae indicates that this missense variant is not expected to disrupt GNB3 protein function. This variant has not been reported in the literature in individuals affected with GNB3-related conditions. This variant is not present in population databases (gnomAD no frequency). This sequence change replaces alanine, which is neutral and non-polar, with glycine, which is neutral and non-polar, at codon 287 of the GNB3 protein (p.Ala287Gly).